The following is an entry in ClinVar:

ClinVar aggregate classification (germline): Likely benign. Review status: criteria provided, multiple submitters, no conflicts (2 of 4 stars). 2 submissions from 2 submitters: Likely benign (2). Last evaluated 2025-09-16.

Conditions:
Amyotrophic lateral sclerosis type 12 (ALS12). Also called: AMYOTROPHIC LATERAL SCLEROSIS 12 WITH OR WITHOUT FRONTOTEMPORAL DEMENTIA. Identifiers: Orphanet 803, MedGen C3150692, MONDO:0013264, OMIM 613435.
Primary open angle glaucoma (POAG). Also called: OPTN-related open angle glaucoma. Identifiers: MedGen C0339573, MONDO:0100553, OMIM 137760.
Glaucoma 1, open angle, E. Identifiers: MedGen C1842026, MONDO:0007665.

Allele frequency attached by ClinVar (database versions not stated): TOPMed 0.00003; gnomAD 0.00004; ESP Exome Variant Server 0.00015.

Submissions (2):

Labcorp Genetics (formerly Invitae), Labcorp
Classification: Likely benign for Primary open angle glaucoma; Glaucoma 1, open angle, E; Amyotrophic lateral sclerosis type 12. Last evaluated: 2025-09-16. Review status: criteria provided, single submitter. Criteria: Invitae Variant Classification Sherloc (09022015). Collection method: clinical testing. Allele origin: germline.

CeGaT Center for Human Genetics Tuebingen
Classification: Likely benign. Last evaluated: 2022-09-01. Review status: criteria provided, single submitter. Criteria: CeGaT Center For Human Genetics Tuebingen Variant Classification Criteria Version 2. Collection method: clinical testing. Allele origin: germline. Affected: yes. Observed: 1 variant allele.
Comment: OPTN: BP4, BP7

NM_001008212.2(OPTN):c.490C>T (p.Leu164=)

Gene: OPTN (optineurin; plus strand). Cytogenetic location: 10p13.
Variant type: single nucleotide variant.
Coding change: c.490C>T on transcript NM_001008212.2 (MANE Select); coding-DNA position 490, C replaced by T.
Protein change: p.Leu164=; no amino-acid change (leucine 164 retained).
Molecular consequence: synonymous variant.
Genome position (GRCh38, 1-based): chr10:13,112,573, C>T. VCF-style: chr10-13112573-C-T. GRCh37 (hg19) VCF-style: chr10-13154573-C-T.
Other names: c.490C>T, p.Leu164= (NM_001008211.1, NM_001008213.1, NM_021980.4).
Identifiers: ClinVar variation 1934635 (VCV001934635.29), dbSNP rs144640313, ClinGen allele CA5410637.